The following is an entry in ClinVar:

NM_001354712.2(THRB):c.701C>T (p.Ala234Val)

Genes: THRB (thyroid hormone receptor beta; minus strand), LOC126806630 (CDK7 strongly-dependent group 2 enhancer GRCh37_chr3:24184437-24185636; plus strand). Cytogenetic location: 3p24.2.
Variant type: single nucleotide variant.
Coding change: c.701C>T on transcript NM_001354712.2 (MANE Select); coding-DNA position 701, C replaced by T.
Protein change: p.Ala234Val; replaces alanine 234 with valine.
Molecular consequence: missense variant.
Genome position (GRCh38, 1-based): chr3:24,143,538, G>A on the plus strand (C>T on the coding strand, the complement: THRB is on the minus strand). VCF-style: chr3-24143538-G-A. GRCh37 (hg19) VCF-style: chr3-24185029-G-A.
Other names: c.701C>T, p.Ala234Val (NM_000461.5, NM_001128176.3, NM_001128177.2 and 6 more transcripts); c.608C>T, p.Ala203Val (NM_001354714.2, NM_001354715.2); c.701C>T (NM_001252634.1); short protein forms A234V, A203V.
Identifiers: ClinVar variation 619920 (VCV000619920.3), dbSNP rs1559441969, ClinGen allele CA351891391.
Genomic context (GRCh38, chr3:24,143,538, plus strand): 5'-TGATCTGTGCAAGGAAGCCTTACCAGGAATTTCCGTTTTTGCTTCCAGTGGCTGCCTTGG[G>A]CGTTGGTCGCCACATGGGCTTCGGTGACAGTTTTGATGAGCTCCCATTCCTCGTCTGTGG-3'
Protein context (NP_001341641.1, residues 224-244): TVTEAHVATN[Ala234Val]QGSHWKQKRK

ClinVar aggregate classification (germline): Uncertain significance. Review status: criteria provided, multiple submitters, no conflicts (2 of 4 stars). 2 submissions from 2 submitters: Uncertain significance (2). Last evaluated 2023-01-25.

Conditions:
THRB-related disorder. Also called: THRB-related condition.

Submissions (2):

PreventionGenetics, part of Exact Sciences
Classification: Uncertain significance for THRB-related condition. Last evaluated: 2023-01-25. Review status: criteria provided, single submitter. Criteria: ACMG Guidelines, 2015. Collection method: clinical testing. Allele origin: germline.
Comment: The THRB c.701C>T variant is predicted to result in the amino acid substitution p.Ala234Val. To our knowledge, this variant has not been reported in the literature or in a large population database, indicating this variant is rare. A different substitution affecting the same amino acid (p.Ala234Thr) has been reported to be pathogenic for thyroid hormone resistance (Behr and Loos 1992. PubMed ID: 1324420; Safer et al. 1998. PubMed ID: 9804773; Macchia et al. 2014. PubMed ID: 25040256). Although we suspect that this variant may be pathogenic, at this time, the clinical significance of this variant is uncertain due to the absence of conclusive functional and genetic evidence.

Quest Diagnostics Nichols Institute San Juan Capistrano
Classification: Uncertain significance. Last evaluated: 2018-08-13. Review status: criteria provided, single submitter. Criteria: Quest Diagnostics criteria. Collection method: clinical testing. Allele origin: germline.